The following is an entry in ClinVar:

NM_001367721.1(CASK):c.181C>T (p.Arg61Trp)

Gene: CASK (calcium/calmodulin dependent serine protein kinase; minus strand). Cytogenetic location: Xp11.4.
Variant type: single nucleotide variant.
Coding change: c.181C>T on transcript NM_001367721.1 (MANE Select); coding-DNA position 181, C replaced by T.
Protein change: p.Arg61Trp; replaces arginine 61 with tryptophan.
Molecular consequence: missense variant.
Genome position (GRCh38, 1-based): chrX:41,787,275, G>A on the plus strand (C>T on the coding strand, the complement: CASK is on the minus strand). VCF-style: chrX-41787275-G-A. GRCh37 (hg19) VCF-style: chrX-41646528-G-A.
Other names: c.181C>T, p.Arg61Trp (NM_001126054.3, NM_001126055.3, NM_001410745.1 and 1 more transcripts); short protein forms R61W.
Identifiers: ClinVar variation 1384860 (VCV001384860.9), dbSNP rs2147833182, ClinGen allele CA413002739.

ClinVar aggregate classification (germline): Uncertain significance. Review status: criteria provided, multiple submitters, no conflicts (2 of 4 stars). 2 submissions from 2 submitters: Uncertain significance (2). Last evaluated 2024-11-11.

Conditions:
Intellectual disability, CASK-related, X-linked. Identifiers: MedGen CN043158.

gnomAD v4.1: 3 of 1,147,476 alleles (0.00026%); highest among the groups gnomAD compares: Non-Finnish European, 0.00036%; no homozygotes.

Submissions (2):

GeneDx
Classification: Uncertain significance. Last evaluated: 2024-11-11. Review status: criteria provided, single submitter. Criteria: GeneDx Variant Classification Process June 2021. Collection method: clinical testing. Allele origin: germline. Affected: yes.
Comment: Not observed at significant frequency in large population cohorts (gnomAD); In silico analysis supports that this missense variant has a deleterious effect on protein structure/function; Has not been previously published as pathogenic or benign to our knowledge

Labcorp Genetics (formerly Invitae), Labcorp
Classification: Uncertain significance for Intellectual disability, CASK-related, X-linked. Last evaluated: 2022-11-01. Review status: criteria provided, single submitter. Criteria: Invitae Variant Classification Sherloc (09022015). Collection method: clinical testing. Allele origin: germline.
Comment: ClinVar contains an entry for this variant (Variation ID: 1384860). In summary, the available evidence is currently insufficient to determine the role of this variant in disease. Therefore, it has been classified as a Variant of Uncertain Significance. Advanced modeling of protein sequence and biophysical properties (such as structural, functional, and spatial information, amino acid conservation, physicochemical variation, residue mobility, and thermodynamic stability) has been performed at Invitae for this missense variant, however the output from this modeling did not meet the statistical confidence thresholds required to predict the impact of this variant on CASK protein function. This variant has not been reported in the literature in individuals affected with CASK-related conditions. This variant is not present in population databases (gnomAD no frequency). This sequence change replaces arginine, which is basic and polar, with tryptophan, which is neutral and slightly polar, at codon 61 of the CASK protein (p.Arg61Trp).